The following is an entry in ClinVar:

ClinVar aggregate classification (germline): Uncertain significance (1 of 4 stars; one submission).

Conditions:
Charcot-Marie-Tooth disease axonal type 2V. Also called: CHARCOT-MARIE-TOOTH NEUROPATHY, TYPE 2V; CHARCOT-MARIE-TOOTH DISEASE, AXONAL, AUTOSOMAL DOMINANT, TYPE 2V. Identifiers: Orphanet 447964, MedGen C5569050, MONDO:0014665, OMIM 616491.
Mucopolysaccharidosis, MPS-III-B (MPS3B). Also called: MPS IIIB (Sanfilippo Syndrome Type B); N-ACETYL-ALPHA-D-GLUCOSAMINIDASE DEFICIENCY; NAGLU DEFICIENCY; MUCOPOLYSACCHARIDOSIS, TYPE IIIB; Mucopolysaccharidosis type IIIB (Sanfilippo B); SANFILIPPO SYNDROME B. Identifiers: Orphanet 79270, MedGen C0086648, MONDO:0009656, OMIM 252920.

Submission:

Labcorp Genetics (formerly Invitae), Labcorp
Classification: Uncertain significance for Charcot-Marie-Tooth disease axonal type 2V; Mucopolysaccharidosis, MPS-III-B. Last evaluated: 2022-05-05. Review status: criteria provided, single submitter. Criteria: Invitae Variant Classification Sherloc (09022015). Collection method: clinical testing. Allele origin: germline.
Comment: This sequence change replaces valine, which is neutral and non-polar, with leucine, which is neutral and non-polar, at codon 485 of the NAGLU protein (p.Val485Leu). This variant is not present in population databases (gnomAD no frequency). This variant has not been reported in the literature in individuals affected with NAGLU-related conditions. Advanced modeling of protein sequence and biophysical properties (such as structural, functional, and spatial information, amino acid conservation, physicochemical variation, residue mobility, and thermodynamic stability) performed at Invitae indicates that this missense variant is not expected to disrupt NAGLU protein function. In summary, the available evidence is currently insufficient to determine the role of this variant in disease. Therefore, it has been classified as a Variant of Uncertain Significance.

NM_000263.4(NAGLU):c.1453G>C (p.Val485Leu)

Gene: NAGLU (N-acetyl-alpha-glucosaminidase; plus strand). Cytogenetic location: 17q21.2.
Variant type: single nucleotide variant.
Coding change: c.1453G>C on transcript NM_000263.4 (MANE Select); coding-DNA position 1453, G replaced by C.
Protein change: p.Val485Leu; replaces valine 485 with leucine.
Molecular consequence: missense variant.
Genome position (GRCh38, 1-based): chr17:42,543,459, G>C. VCF-style: chr17-42543459-G-C. GRCh37 (hg19) VCF-style: chr17-40695477-G-C.
Other names: short protein forms V485L.
Identifiers: ClinVar variation 1361597 (VCV001361597.4), dbSNP rs1332288767, ClinGen allele CA399603844.